The following is an entry in ClinVar:

NM_020693.4(DSCAML1):c.2633G>C (p.Gly878Ala)

Gene: DSCAML1 (DS cell adhesion molecule like 1; minus strand). Cytogenetic location: 11q23.3.
Variant type: single nucleotide variant.
Coding change: c.2633G>C on transcript NM_020693.4 (MANE Select); coding-DNA position 2633, G replaced by C.
Protein change: p.Gly878Ala; replaces glycine 878 with alanine.
Molecular consequence: missense variant.
Genome position (GRCh38, 1-based): chr11:117,481,197, C>G on the plus strand (G>C on the coding strand, the complement: DSCAML1 is on the minus strand). VCF-style: chr11-117481197-C-G. GRCh37 (hg19) VCF-style: chr11-117351912-C-G.
Other names: c.2633G>C, p.Gly878Ala (NM_001367904.1); short protein forms G878A.
Identifiers: ClinVar variation 3646419 (VCV003646419.2).

ClinVar aggregate classification (germline): Uncertain significance (1 of 4 stars; one submission).

Submission:

Labcorp Genetics (formerly Invitae), Labcorp
Classification: Uncertain significance. Last evaluated: 2024-03-16. Review status: criteria provided, single submitter. Criteria: Invitae Variant Classification Sherloc (09022015). Collection method: clinical testing. Allele origin: germline.
Comment: This sequence change replaces glycine, which is neutral and non-polar, with alanine, which is neutral and non-polar, at codon 938 of the DSCAML1 protein (p.Gly938Ala). This variant is not present in population databases (gnomAD no frequency). This variant has not been reported in the literature in individuals affected with DSCAML1-related conditions. An algorithm developed to predict the effect of missense changes on protein structure and function (PolyPhen-2) suggests that this variant is likely to be tolerated. In summary, the available evidence is currently insufficient to determine the role of this variant in disease. Therefore, it has been classified as a Variant of Uncertain Significance.